The following is an entry in ClinVar:

ClinVar aggregate classification (germline): Uncertain significance. Review status: criteria provided, multiple submitters, no conflicts (2 of 4 stars). 2 submissions from 2 submitters: Uncertain significance (2). Last evaluated 2026-01-05.

Conditions:
MHC class I deficiency. Identifiers: Orphanet 34592, MedGen C6024714, MONDO:0011476.
Inborn genetic diseases. Identifiers: MedGen C0950123, MeSH D030342.

Allele frequency attached by ClinVar (database versions not stated): gnomAD exomes 0.00001 and below 0.00001; gnomAD 0.00006.
gnomAD v4.1: 13 of 1,546,504 alleles (0.00084%); highest among the groups gnomAD compares: African/African-American, 0.016%; no homozygotes.

Submissions (2):

Ambry Genetics
Classification: Uncertain significance for Inborn genetic diseases. Last evaluated: 2026-01-05. Review status: criteria provided, single submitter. Criteria: Ambry Variant Classification Scheme 2023. Collection method: clinical testing. Allele origin: germline.

Labcorp Genetics (formerly Invitae), Labcorp
Classification: Uncertain significance for MHC class I deficiency 1. Last evaluated: 2021-06-15. Review status: criteria provided, single submitter. Criteria: Invitae Variant Classification Sherloc (09022015). Collection method: clinical testing. Allele origin: germline.
Comment: In summary, the available evidence is currently insufficient to determine the role of this variant in disease. Therefore, it has been classified as a Variant of Uncertain Significance. Algorithms developed to predict the effect of missense changes on protein structure and function output the following: SIFT: "Tolerated"; PolyPhen-2: "Not Available"; Align-GVGD: "Class C0". The lysine amino acid residue is found in multiple mammalian species, suggesting that this missense change does not adversely affect protein function. These predictions have not been confirmed by published functional studies and their clinical significance is uncertain. This variant has not been reported in the literature in individuals with TAP2-related conditions. This variant is not present in population databases (ExAC no frequency). This sequence change replaces glutamic acid with lysine at codon 677 of the TAP2 protein (p.Glu677Lys). The glutamic acid residue is weakly conserved and there is a small physicochemical difference between glutamic acid and lysine.

NM_001290043.2(TAP2):c.2029G>A (p.Glu677Lys)

Gene: TAP2 (transporter 2, ATP binding cassette subfamily B member; minus strand). Cytogenetic location: 6p21.32.
Variant type: single nucleotide variant.
Coding change: c.2029G>A on transcript NM_001290043.2 (MANE Select); coding-DNA position 2029, G replaced by A.
Protein change: p.Glu677Lys; replaces glutamic acid 677 with lysine.
Molecular consequence: missense variant. On other transcripts: intron variant (1).
Genome position (GRCh38, 1-based): chr6:32,828,938, C>T on the plus strand (G>A on the coding strand, the complement: TAP2 is on the minus strand). VCF-style: chr6-32828938-C-T. GRCh37 (hg19) VCF-style: chr6-32796715-C-T.
Other names: c.2029G>A, p.Glu677Lys (NM_000544.3); c.1932+462G>A (NM_018833.3); short protein forms E677K.
Identifiers: ClinVar variation 1363571 (VCV001363571.9), dbSNP rs887743515, ClinGen allele CA136997719.
Genomic context (GRCh38, chr6:32,828,938, plus strand): 5'-CCAGGCGGGAATAGAGGTCCTGTCCCTCCTAGAGCTGGGCAAGCTTCTGCAGCTTGCCCT[C>T]CTGGAGCACCAGGATCTGGTGGGCGCGCTGAACTGTCTGCAGCCTGTGAGCAATCACCAG-3'
Protein context (NP_001276972.1, residues 667-686): QRAHQILVLQ[Glu677Lys]GKLQKLAQL